The following is an entry in ClinVar:

NM_032119.4(ADGRV1):c.6012G>T (p.Leu2004Phe)

Gene: ADGRV1 (adhesion G protein-coupled receptor V1; plus strand). Cytogenetic location: 5q14.3.
Variant type: single nucleotide variant.
Coding change: c.6012G>T on transcript NM_032119.4 (MANE Select); coding-DNA position 6012, G replaced by T.
Protein change: p.Leu2004Phe; replaces leucine 2004 with phenylalanine.
Molecular consequence: missense variant. On other transcripts: non-coding transcript variant (1).
Genome position (GRCh38, 1-based): chr5:90,683,933, G>T. VCF-style: chr5-90683933-G-T. GRCh37 (hg19) VCF-style: chr5-89979750-G-T.
Other names: p.L2004F:TTG>TTT; short protein forms L2004F.
Identifiers: ClinVar variation 46346 (VCV000046346.32), dbSNP rs16868972, ClinGen allele CA138163.

ClinVar aggregate classification (germline): Benign. Review status: criteria provided, multiple submitters, no conflicts (2 of 4 stars). 11 submissions from 11 submitters: Benign (8). 3 of the submissions do not count toward it. Last evaluated 2026-02-04.

Conditions:
Usher syndrome type 2C. Also called: Usher syndrome, type 2B; USHER SYNDROME, TYPE IIC. Identifiers: Orphanet 231178, Orphanet 886, MedGen C2931213, MONDO:0011558, OMIM 605472.

Allele frequency attached by ClinVar (database versions not stated): gnomAD 0.23938 and 0.23805; gnomAD exomes 0.15513 and 0.19830; TOPMed 0.24996; 1000 Genomes Project 30x 0.30887; 1000 Genomes Project 0.31370; ExAC 0.20385; ESP Exome Variant Server 0.22990.
gnomAD v4.1: 264,898 of 1,613,170 alleles (16%); highest among the groups gnomAD compares: African/African-American, 44%; 27,053 homozygotes.

Submissions (11):

Labcorp Genetics (formerly Invitae), Labcorp
Classification: Benign. Last evaluated: 2026-02-04. Review status: criteria provided, single submitter. Criteria: Invitae Variant Classification Sherloc (09022015). Collection method: clinical testing. Allele origin: germline.

Genome-Nilou Lab
Classification: Benign for Usher syndrome type 2C. Last evaluated: 2021-08-10. Review status: criteria provided, single submitter. Criteria: ACMG Guidelines, 2015. Collection method: clinical testing. Allele origin: germline. Affected: no.

Mayo Clinic Laboratories, Mayo Clinic
Classification: Benign. Last evaluated: 2020-12-04. Review status: criteria provided, single submitter. Criteria: ACMG Guidelines, 2015. Collection method: clinical testing. Allele origin: germline. Observed: 50 variant alleles.

Illumina Laboratory Services, Illumina
Classification: Benign for Usher syndrome type 2C. Last evaluated: 2018-01-13. Review status: criteria provided, single submitter. Criteria: ICSL Variant Classification Criteria 13 December 2019. Collection method: clinical testing. Allele origin: germline.
Comment: This variant was observed in the ICSL laboratory as part of a predisposition screen in an ostensibly healthy population. It had not been previously curated by ICSL or reported in the Human Gene Mutation Database (HGMD: prior to June 1st, 2018), and was therefore a candidate for classification through an automated scoring system. Utilizing variant allele frequency, disease prevalence and penetrance estimates, and inheritance mode, an automated score was calculated to assess if this variant is too frequent to cause the disease. Based on the score and internal cut-off values, a variant classified as benign is not then subjected to further curation. The score for this variant resulted in a classification of benign for this disease.

Eurofins Ntd Llc (ga)
Classification: Benign. Last evaluated: 2014-04-25. Review status: criteria provided, single submitter. Criteria: EGL Classification Definitions 2015. Collection method: clinical testing. Allele origin: germline. Observed: 4 variant alleles, 2 heterozygotes, 2 homozygotes.

GeneDx
Classification: Benign. Last evaluated: 2013-01-08. Review status: criteria provided, single submitter. Criteria: GeneDx Variant Classification (06012015). Collection method: clinical testing. Allele origin: germline. Affected: yes.
Comment: This variant is considered likely benign or benign based on one or more of the following criteria: it is a conservative change, it occurs at a poorly conserved position in the protein, it is predicted to be benign by multiple in silico algorithms, and/or has population frequency not consistent with disease.

Laboratory for Molecular Medicine, Mass General Brigham Personalized Medicine
Classification: Benign. Last evaluated: 2011-02-01. Review status: criteria provided, single submitter. Criteria: LMM Criteria. Collection method: clinical testing. Allele origin: germline. Observed: 636 variant alleles.
Comment: Leu2004Phe in exon 28 of GPR98: This variant is not expected to have clinical si gnificance because it is listed in dbSNP with an average heterozygous frequency of 42.7% (rs16868972).

PreventionGenetics, part of Exact Sciences
Classification: Benign. Review status: criteria provided, single submitter. Criteria: ACMG Guidelines, 2015. Collection method: clinical testing. Allele origin: germline.

Diagnostic Laboratory, Department of Genetics, University Medical Center Groningen
Classification: Benign. Review status: no assertion criteria provided. Collection method: clinical testing. Allele origin: germline. Affected: yes. Study: VKGL Data-share Consensus. Not counted in ClinVar's aggregate classification.

Genetic Services Laboratory, University of Chicago
Classification: Likely benign. Review status: no assertion criteria provided. Collection method: clinical testing. Allele origin: germline. Inheritance: Autosomal dominant inheritance. Not counted in ClinVar's aggregate classification.
Comment: Likely benign based on allele frequency in 1000 Genomes Project or ESP global frequency and its presence in a patient with a rare or unrelated disease phenotype. NOT Sanger confirmed

Joint Genome Diagnostic Labs from Nijmegen and Maastricht, Radboudumc and MUMC+
Classification: Benign. Review status: no assertion criteria provided. Collection method: clinical testing. Allele origin: germline. Affected: yes. Study: VKGL Data-share Consensus. Not counted in ClinVar's aggregate classification.